The following is an entry in ClinVar:

NM_022095.4(ZNF335):c.1090G>A (p.Asp364Asn)

Gene: ZNF335 (zinc finger protein 335; minus strand). Cytogenetic location: 20q13.12.
Variant type: single nucleotide variant.
Coding change: c.1090G>A on transcript NM_022095.4 (MANE Select); coding-DNA position 1090, G replaced by A.
Protein change: p.Asp364Asn; replaces aspartic acid 364 with asparagine.
Molecular consequence: missense variant.
Genome position (GRCh38, 1-based): chr20:45,965,640, C>T on the plus strand (G>A on the coding strand, the complement: ZNF335 is on the minus strand). VCF-style: chr20-45965640-C-T. GRCh37 (hg19) VCF-style: chr20-44594279-C-T.
Other names: short protein forms D364N.
Identifiers: ClinVar variation 1472309 (VCV001472309.6), dbSNP rs763610106, ClinGen allele CA9885841.
Genomic context (GRCh38, chr20:45,965,640, plus strand): 5'-GCCACTCCTGACCCACCCACACGAGCCCCTCCCAAGACCAAGCCTCACCATCTGGGAGGT[C>T]TGAGATCTCCAGGCGGGGCAGCTTCCGGGGCCGGCCAGGTCTCCTTCGGGGCCTTGGGGT-3'
Protein context (NP_071378.1, residues 354-374): PRKLPRLEIS[Asp364Asn]LPDGVEGEPL

ClinVar aggregate classification (germline): Uncertain significance (1 of 4 stars; one submission).

gnomAD v4.1: 3 of 1,600,224 alleles (0.00019%); highest among the groups gnomAD compares: Non-Finnish European, 0.00026%; no homozygotes.

Submission:

Labcorp Genetics (formerly Invitae), Labcorp
Classification: Uncertain significance. Last evaluated: 2021-09-28. Review status: criteria provided, single submitter. Criteria: Invitae Variant Classification Sherloc (09022015). Collection method: clinical testing. Allele origin: germline.
Comment: In summary, the available evidence is currently insufficient to determine the role of this variant in disease. Therefore, it has been classified as a Variant of Uncertain Significance. Algorithms developed to predict the effect of missense changes on protein structure and function (SIFT, PolyPhen-2, Align-GVGD) all suggest that this variant is likely to be tolerated. This variant has not been reported in the literature in individuals affected with ZNF335-related conditions. This variant is present in population databases (rs763610106, ExAC 0.002%). This sequence change replaces aspartic acid with asparagine at codon 364 of the ZNF335 protein (p.Asp364Asn). The aspartic acid residue is moderately conserved and there is a small physicochemical difference between aspartic acid and asparagine.